The following is an entry in ClinVar:

ClinVar aggregate classification (germline): Uncertain significance (0 of 4 stars; one submission).

Conditions:
TRPS1-related disorder. Also called: TRPS1-related condition.

Allele frequency attached by ClinVar (database versions not stated): ESP Exome Variant Server 0.00008.
gnomAD v4.1: 4 of 1,614,116 alleles (0.00025%); highest among the groups gnomAD compares: Non-Finnish European, 0.00034%; no homozygotes.

Submission:

PreventionGenetics, part of Exact Sciences
Classification: Uncertain significance for TRPS1-related condition. Last evaluated: 2024-02-19. Review status: no assertion criteria provided. Collection method: clinical testing. Allele origin: germline.
Comment: The TRPS1 c.521C>T variant is predicted to result in the amino acid substitution p.Thr174Ile. To our knowledge, this variant has not been reported in the literature. This variant is reported in 0.00088% of alleles in individuals of European (Non-Finnish) descent in gnomAD. At this time, the clinical significance of this variant is uncertain due to the absence of conclusive functional and genetic evidence.

NM_014112.5(TRPS1):c.521C>T (p.Thr174Ile)

Gene: TRPS1 (transcriptional repressor GATA binding 1; minus strand). Cytogenetic location: 8q23.3.
Variant type: single nucleotide variant.
Coding change: c.521C>T on transcript NM_014112.5 (MANE Select); coding-DNA position 521, C replaced by T.
Protein change: p.Thr174Ile; replaces threonine 174 with isoleucine.
Molecular consequence: missense variant.
Genome position (GRCh38, 1-based): chr8:115,619,577, G>A on the plus strand (C>T on the coding strand, the complement: TRPS1 is on the minus strand). VCF-style: chr8-115619577-G-A. GRCh37 (hg19) VCF-style: chr8-116631804-G-A.
Other names: c.494C>T, p.Thr165Ile (NM_001282902.3); c.500C>T, p.Thr167Ile (NM_001282903.3); c.482C>T, p.Thr161Ile (NM_001330599.2); short protein forms T161I, T165I, T167I, T174I.
Identifiers: ClinVar variation 3030432 (VCV003030432.2), dbSNP rs377527917, ClinGen allele CA184619304.